The following is an entry in ClinVar:

NM_001033044.4(GLUL):c.806A>G (p.Tyr269Cys)

Gene: GLUL (glutamate-ammonia ligase; minus strand). Cytogenetic location: 1q25.3.
Variant type: single nucleotide variant.
Coding change: c.806A>G on transcript NM_001033044.4 (MANE Select); coding-DNA position 806, A replaced by G.
Protein change: p.Tyr269Cys; replaces tyrosine 269 with cysteine.
Molecular consequence: missense variant.
Genome position (GRCh38, 1-based): chr1:182,384,721, T>C on the plus strand (A>G on the coding strand, the complement: GLUL is on the minus strand). VCF-style: chr1-182384721-T-C. GRCh37 (hg19) VCF-style: chr1-182353856-T-C.
Other names: c.806A>G, p.Tyr269Cys (NM_001033056.4, NM_002065.7); short protein forms Y269C.
Identifiers: ClinVar variation 2095985 (VCV002095985.4), dbSNP rs755477338, ClinGen allele CA1277025.

ClinVar aggregate classification (germline): Uncertain significance (1 of 4 stars; one submission).

Conditions:
Congenital brain dysgenesis due to glutamine synthetase deficiency (GLND). Also called: GLUTAMINE SYNTHASE DEFICIENCY, CONGENITAL SYSTEMIC. Identifiers: Orphanet 71278, MedGen C1864910, MONDO:0012393, OMIM 610015.

Allele frequency attached by ClinVar (database versions not stated): gnomAD exomes below 0.00001; ExAC 0.00001.
gnomAD v4.1: 1 of 1,612,676 alleles (0.000062%); highest among the groups gnomAD compares: Admixed American, 0.0017%; no homozygotes.

Submission:

Labcorp Genetics (formerly Invitae), Labcorp
Classification: Uncertain significance for Congenital brain dysgenesis due to glutamine synthetase deficiency. Last evaluated: 2025-09-15. Review status: criteria provided, single submitter. Criteria: Invitae Variant Classification Sherloc (09022015). Collection method: clinical testing. Allele origin: germline.
Comment: This sequence change replaces tyrosine, which is neutral and polar, with cysteine, which is neutral and slightly polar, at codon 269 of the GLUL protein (p.Tyr269Cys). This variant is present in population databases (rs755477338, gnomAD 0.003%). This variant has not been reported in the literature in individuals affected with GLUL-related conditions. ClinVar contains an entry for this variant (Variation ID: 2095985). An algorithm developed to predict the effect of missense changes on protein structure and function outputs the following: PolyPhen-2: "Benign". The cysteine amino acid residue is found in multiple mammalian species, which suggests that this missense change does not adversely affect protein function. In summary, the available evidence is currently insufficient to determine the role of this variant in disease. Therefore, it has been classified as a Variant of Uncertain Significance.